The following is an entry in ClinVar:

ClinVar aggregate classification (germline): Uncertain significance (1 of 4 stars; one submission).

Conditions:
LAMA2-related muscular dystrophy (LAMA2-RD). Also called: Laminin alpha 2-related dystrophy. Identifiers: MedGen C5679788, MONDO:0100228.

Allele frequency attached by ClinVar (database versions not stated): gnomAD exomes below 0.00001.
gnomAD v4.1: 3 of 1,613,978 alleles (0.00019%); highest among the groups gnomAD compares: Non-Finnish European, 0.00025%; no homozygotes.

Submission:

Labcorp Genetics (formerly Invitae), Labcorp
Classification: Uncertain significance for LAMA2-related muscular dystrophy. Last evaluated: 2021-04-02. Review status: criteria provided, single submitter. Criteria: Invitae Variant Classification Sherloc (09022015). Collection method: clinical testing. Allele origin: germline.
Comment: In summary, the available evidence is currently insufficient to determine the role of this variant in disease. Therefore, it has been classified as a Variant of Uncertain Significance. Algorithms developed to predict the effect of missense changes on protein structure and function are either unavailable or do not agree on the potential impact of this missense change (SIFT: "Tolerated"; PolyPhen-2: "Probably Damaging"; Align-GVGD: "Class C0"). This variant has not been reported in the literature in individuals with LAMA2-related conditions. This variant is not present in population databases (ExAC no frequency). This sequence change replaces valine with isoleucine at codon 2881 of the LAMA2 protein (p.Val2881Ile). The valine residue is moderately conserved and there is a small physicochemical difference between valine and isoleucine.

NM_000426.4(LAMA2):c.8641G>A (p.Val2881Ile)

Gene: LAMA2 (laminin subunit alpha 2; plus strand). Cytogenetic location: 6q22.33.
Variant type: single nucleotide variant.
Coding change: c.8641G>A on transcript NM_000426.4 (MANE Select); coding-DNA position 8641, G replaced by A.
Protein change: p.Val2881Ile; replaces valine 2881 with isoleucine.
Molecular consequence: missense variant.
Genome position (GRCh38, 1-based): chr6:129,505,293, G>A. VCF-style: chr6-129505293-G-A. GRCh37 (hg19) VCF-style: chr6-129826438-G-A.
Other names: c.8629G>A, p.Val2877Ile (NM_001079823.2); short protein forms V2877I, V2881I.
Identifiers: ClinVar variation 951929 (VCV000951929.8), dbSNP rs1785967981, ClinGen allele CA365634909.